The following is an entry in ClinVar:

ClinVar aggregate classification (germline): Uncertain significance (1 of 4 stars; one submission).

Conditions:
Inborn genetic diseases. Identifiers: MedGen C0950123, MeSH D030342.

Submission:

Ambry Genetics
Classification: Uncertain significance for Inborn genetic diseases. Last evaluated: 2025-02-11. Review status: criteria provided, single submitter. Criteria: Ambry Variant Classification Scheme 2023. Collection method: clinical testing. Allele origin: germline.
Comment: The p.K950Q variant (also known as c.2848A>C), located in coding exon 24 of the ANKRD26 gene, results from an A to C substitution at nucleotide position 2848. The lysine at codon 950 is replaced by glutamine, an amino acid with similar properties. This amino acid position is conserved. In addition, this alteration is predicted to be tolerated by in silico analysis. Based on the available evidence, the clinical significance of this variant remains unclear.

NM_014915.3(ANKRD26):c.2848A>C (p.Lys950Gln)

Gene: ANKRD26 (ankyrin repeat domain containing 26; minus strand). Cytogenetic location: 10p12.1.
Variant type: single nucleotide variant.
Coding change: c.2848A>C on transcript NM_014915.3 (MANE Select); coding-DNA position 2848, A replaced by C.
Protein change: p.Lys950Gln; replaces lysine 950 with glutamine.
Molecular consequence: missense variant.
Genome position (GRCh38, 1-based): chr10:27,035,602, T>G on the plus strand (A>C on the coding strand, the complement: ANKRD26 is on the minus strand). VCF-style: chr10-27035602-T-G. GRCh37 (hg19) VCF-style: chr10-27324531-T-G.
Other names: c.2845A>C, p.Lys949Gln (NM_001256053.2); short protein forms K950Q, K949Q.
Identifiers: ClinVar variation 3871188 (VCV003871188.1).